The following is an entry in ClinVar:

NM_000059.4(BRCA2):c.2246G>C (p.Ser749Thr)

Gene: BRCA2 (BRCA2 DNA repair associated; plus strand). Cytogenetic location: 13q13.1.
Variant type: single nucleotide variant.
Coding change: c.2246G>C on transcript NM_000059.4 (MANE Select); coding-DNA position 2246, G replaced by C.
Protein change: p.Ser749Thr; replaces serine 749 with threonine.
Molecular consequence: missense variant. On other transcripts: non-coding transcript variant (1), intron variant (2).
Genome position (GRCh38, 1-based): chr13:32,336,601, G>C. VCF-style: chr13-32336601-G-C. GRCh37 (hg19) VCF-style: chr13-32910738-G-C.
Other names: c.2246G>C, p.Ser749Thr (NM_001406719.1, NM_001406720.1); c.1909+3214G>C (NM_001406721.1); c.424+5571G>C (NM_001406722.1); short protein forms S749T.
Identifiers: ClinVar variation 2833407 (VCV002833407.4), dbSNP rs2137484628, ClinGen allele CA387770870.

ClinVar aggregate classification (germline): Uncertain significance. Review status: criteria provided, multiple submitters, no conflicts (2 of 4 stars). 2 submissions from 2 submitters: Uncertain significance (2). Last evaluated 2026-07-07.

Conditions:
Hereditary breast ovarian cancer syndrome. Also called: Hereditary breast and ovarian cancer syndrome; Hereditary breast and ovarian cancer syndrome (HBOC); Breast and ovarian cancer; Hereditary breast and/or ovarian cancer syndrome; Hereditary breast and ovarian cancer; BRCA1- and BRCA2-Associated Hereditary Breast and Ovarian Cancer. Identifiers: Orphanet 145, MedGen C0677776, MeSH D061325, MONDO:0003582. Disease mechanism: loss of function.
Hereditary cancer-predisposing syndrome. Also called: Hereditary Cancer Syndrome; Hereditary neoplastic syndrome; Neoplastic Syndromes, Hereditary; Tumor predisposition. Identifiers: Orphanet 140162, MedGen C0027672, MeSH D009386, MONDO:0015356.

Submissions (2):

Ambry Genetics
Classification: Uncertain significance for Hereditary cancer-predisposing syndrome. Last evaluated: 2026-07-07. Review status: criteria provided, single submitter. Criteria: Ambry Variant Classification Scheme 2023. Collection method: clinical testing. Allele origin: germline.
Comment: The p.S749T variant (also known as c.2246G>C), located in coding exon 10 of the BRCA2 gene, results from a G to C substitution at nucleotide position 2246. The serine at codon 749 is replaced by threonine, an amino acid with similar properties. This amino acid position is conserved. In addition, this alteration is predicted to be tolerated by in silico analysis. Based on the available evidence, the clinical significance of this variant remains unclear.

Labcorp Genetics (formerly Invitae), Labcorp
Classification: Uncertain significance for Hereditary breast ovarian cancer syndrome. Last evaluated: 2023-02-01. Review status: criteria provided, single submitter. Criteria: Invitae Variant Classification Sherloc (09022015). Collection method: clinical testing. Allele origin: germline.
Comment: This sequence change replaces serine, which is neutral and polar, with threonine, which is neutral and polar, at codon 749 of the BRCA2 protein (p.Ser749Thr). This variant is not present in population databases (gnomAD no frequency). This variant has not been reported in the literature in individuals affected with BRCA2-related conditions. Advanced modeling of protein sequence and biophysical properties (such as structural, functional, and spatial information, amino acid conservation, physicochemical variation, residue mobility, and thermodynamic stability) performed at Invitae indicates that this missense variant is not expected to disrupt BRCA2 protein function. In summary, the available evidence is currently insufficient to determine the role of this variant in disease. Therefore, it has been classified as a Variant of Uncertain Significance.